The following is an entry in ClinVar:

NM_001205293.3(CACNA1E):c.6914G>A (p.Ser2305Asn)

Gene: CACNA1E (calcium voltage-gated channel subunit alpha1 E; plus strand). Cytogenetic location: 1q25.3.
Variant type: single nucleotide variant.
Coding change: c.6914G>A on transcript NM_001205293.3 (MANE Select); coding-DNA position 6914, G replaced by A.
Protein change: p.Ser2305Asn; replaces serine 2305 with asparagine.
Molecular consequence: missense variant.
Genome position (GRCh38, 1-based): chr1:181,798,806, G>A. VCF-style: chr1-181798806-G-A. GRCh37 (hg19) VCF-style: chr1-181767942-G-A.
Other names: c.6785G>A (NM_000721.3); c.6785G>A, p.Ser2262Asn (NM_000721.4); c.6728G>A, p.Ser2243Asn (NM_001205294.2); short protein forms S2262N, S2243N, S2305N.
Identifiers: ClinVar variation 2783107 (VCV002783107.4), dbSNP rs1331068778, ClinGen allele CA343845951.

ClinVar aggregate classification (germline): Uncertain significance. Review status: criteria provided, multiple submitters, no conflicts (2 of 4 stars). 2 submissions from 2 submitters: Uncertain significance (2). Last evaluated 2025-07-24.

Allele frequency attached by ClinVar (database versions not stated): gnomAD exomes 0.00001.
gnomAD v4.1: 3 of 1,536,198 alleles (0.0002%); highest among the groups gnomAD compares: Non-Finnish European, 0.00026%; no homozygotes.

Submissions (2):

GeneDx
Classification: Uncertain significance. Last evaluated: 2025-07-24. Review status: criteria provided, single submitter. Criteria: GeneDx Variant Classification Process June 2021. Collection method: clinical testing. Allele origin: germline. Affected: yes.
Comment: In silico analysis suggests that this missense variant does not alter protein structure/function; Has not been previously published as pathogenic or benign to our knowledge

Labcorp Genetics (formerly Invitae), Labcorp
Classification: Uncertain significance. Last evaluated: 2024-12-18. Review status: criteria provided, single submitter. Criteria: Invitae Variant Classification Sherloc (09022015). Collection method: clinical testing. Allele origin: germline.
Comment: This sequence change replaces serine, which is neutral and polar, with asparagine, which is neutral and polar, at codon 2262 of the CACNA1E protein (p.Ser2262Asn). The frequency data for this variant in the population databases is considered unreliable, as metrics indicate poor data quality at this position in the gnomAD database. This variant has not been reported in the literature in individuals affected with CACNA1E-related conditions. ClinVar contains an entry for this variant (Variation ID: 2783107). Invitae Evidence Modeling of protein sequence and biophysical properties (such as structural, functional, and spatial information, amino acid conservation, physicochemical variation, residue mobility, and thermodynamic stability) has been performed for this missense variant. However, the output from this modeling did not meet the statistical confidence thresholds required to predict the impact of this variant on CACNA1E protein function. In summary, the available evidence is currently insufficient to determine the role of this variant in disease. Therefore, it has been classified as a Variant of Uncertain Significance.